The following is an entry in ClinVar:

ClinVar aggregate classification (germline): Benign. Review status: criteria provided, multiple submitters, no conflicts (2 of 4 stars). 4 submissions from 4 submitters: Benign (3). 1 of the submissions does not count toward it. Last evaluated 2026-03-01.

Conditions:
LRRC56-related disorder. Also called: LRRC56-related condition.

Allele frequency attached by ClinVar (database versions not stated): ExAC 0.00662; gnomAD exomes 0.00690 and 0.00785; 1000 Genomes Project 0.00799; gnomAD 0.00862 and 0.00888; 1000 Genomes Project 30x 0.00921; ESP Exome Variant Server 0.00946; TOPMed 0.00958.
gnomAD v4.1: 12,757 of 1,612,090 alleles (0.79%); highest among the groups gnomAD compares: Admixed American, 1.2%; 67 homozygotes.

Submissions (4):

CeGaT Center for Human Genetics Tuebingen
Classification: Benign. Last evaluated: 2026-03-01. Review status: criteria provided, single submitter. Criteria: CeGaT Center For Human Genetics Tuebingen Variant Classification Criteria Version 2. Collection method: clinical testing. Allele origin: germline. Affected: yes. Observed: 7 variant alleles.
Comment: LRRC56: BP4, BP7, BS1, BS2

Labcorp Genetics (formerly Invitae), Labcorp
Classification: Benign. Last evaluated: 2026-02-01. Review status: criteria provided, single submitter. Criteria: Invitae Variant Classification Sherloc (09022015). Collection method: clinical testing. Allele origin: germline.

Breakthrough Genomics
Classification: Benign. Review status: criteria provided, single submitter. Criteria: ACMG Guidelines, 2015. Collection method: not provided. Allele origin: germline. Inheritance: Autosomal recessive inheritance. Affected: yes.

PreventionGenetics, part of Exact Sciences
Classification: Likely benign for LRRC56-related condition. Last evaluated: 2019-03-06. Review status: no assertion criteria provided. Collection method: clinical testing. Allele origin: germline. Not counted in ClinVar's aggregate classification.
Comment: This variant is classified as likely benign based on ACMG/AMP sequence variant interpretation guidelines (Richards et al. 2015 PMID: 25741868, with internal and published modifications).

NM_198075.4(LRRC56):c.1356T>G (p.Pro452=)

Gene: LRRC56 (leucine rich repeat containing 56; plus strand). Cytogenetic location: 11p15.5.
Variant type: single nucleotide variant.
Coding change: c.1356T>G on transcript NM_198075.4 (MANE Select); coding-DNA position 1356, T replaced by G.
Protein change: p.Pro452=; no amino-acid change (proline 452 retained).
Molecular consequence: synonymous variant.
Genome position (GRCh38, 1-based): chr11:554,003, T>G. VCF-style: chr11-554003-T-G. GRCh37 (hg19) VCF-style: chr11-554003-T-G.
Other names: c.1356T>G (NM_198075.3).
Identifiers: ClinVar variation 1631532 (VCV001631532.34), dbSNP rs138194233, ClinGen allele CA5780084.
Genomic context (GRCh38, chr11:554,003, plus strand): 5'-TCACTCTGCTTGCTTTCTAGAGCCCTCCGGGACCTCGAGCCAGCACCTGGTCCCTTCACC[T>G]CCCAAGCACCCAAGGCCACGAGATTCTGGCAGCAGCTCCCCGCGGTGGTCGACAGACCTG-3'
Protein context (NP_932341.1, residues 442-462): GTSSQHLVPS[Pro452=]PKHPRPRDSG